The following is an entry in ClinVar:

NM_020987.5(ANK3):c.5137G>A (p.Val1713Ile)

Gene: ANK3 (ankyrin 3; minus strand). Cytogenetic location: 10q21.2.
Variant type: single nucleotide variant.
Coding change: c.5137G>A on transcript NM_020987.5 (MANE Select); coding-DNA position 5137, G replaced by A.
Protein change: p.Val1713Ile; replaces valine 1713 with isoleucine.
Molecular consequence: missense variant. On other transcripts: intron variant (4).
Genome position (GRCh38, 1-based): chr10:60,075,744, C>T on the plus strand (G>A on the coding strand, the complement: ANK3 is on the minus strand). VCF-style: chr10-60075744-C-T. GRCh37 (hg19) VCF-style: chr10-61835502-C-T.
Other names: c.4387+4793G>A (NM_001204403.2); c.4408+4793G>A (NM_001204404.2); c.4405+4793G>A (NM_001320874.2); c.1807+4793G>A (NM_001149.4); short protein forms V1713I.
Identifiers: ClinVar variation 426668 (VCV000426668.19), dbSNP rs544357242, ClinGen allele CA5512054.
Genomic context (GRCh38, chr10:60,075,744, plus strand): 5'-TAATTAAAGTTGAGGATGATGGATATTTTAGAGGGGAAATAGATCCATTGACTAATGCTA[C>T]CTCTGCATGTCCAGGCATCTGCTTCACAGGTGATGAGAGAGAAGATGCCATTGTAATTTT-3'
Protein context (NP_066267.2, residues 1703-1723): PVKQMPGHAE[Val1713Ile]ALVNGSISPL

ClinVar aggregate classification (germline): Conflicting classifications of pathogenicity. Review status: criteria provided, conflicting classifications (1 of 4 stars). 5 submissions from 5 submitters: Uncertain significance (1); Benign (2); Likely benign (2). Last evaluated 2026-02-16.

Conditions:
ANK3-related disorder. Also called: ANK3-related condition.
Inborn genetic diseases. Identifiers: MedGen C0950123, MeSH D030342.

Allele frequency attached by ClinVar (database versions not stated): TOPMed 0.00001; gnomAD exomes 0.00134; ExAC 0.00144; 1000 Genomes Project 30x 0.00219; 1000 Genomes Project 0.00260.
gnomAD v4.1: 986 of 1,614,126 alleles (0.061%); highest among the groups gnomAD compares: South Asian, 1%; 13 homozygotes.

Submissions (5):

PreventionGenetics, part of Exact Sciences
Classification: Likely benign for ANK3-related condition. Last evaluated: 2026-02-16. Review status: criteria provided, single submitter. Criteria: ACMG Guidelines, 2015. Collection method: clinical testing. Allele origin: germline.
Comment: This variant is classified as likely benign based on ACMG/AMP sequence variant interpretation guidelines (Richards et al. 2015 PMID: 25741868, with internal and published modifications).

CeGaT Center for Human Genetics Tuebingen
Classification: Benign. Last evaluated: 2026-01-01. Review status: criteria provided, single submitter. Criteria: CeGaT Center For Human Genetics Tuebingen Variant Classification Criteria Version 2. Collection method: clinical testing. Allele origin: germline. Affected: yes. Observed: 1 variant allele.
Comment: ANK3: BP4, BS1, BS2

Labcorp Genetics (formerly Invitae), Labcorp
Classification: Benign. Last evaluated: 2025-12-03. Review status: criteria provided, single submitter. Criteria: Invitae Variant Classification Sherloc (09022015). Collection method: clinical testing. Allele origin: germline.

Ambry Genetics
Classification: Likely benign for Inborn genetic diseases. Last evaluated: 2025-08-06. Review status: criteria provided, single submitter. Criteria: Ambry Variant Classification Scheme 2023. Collection method: clinical testing. Allele origin: germline.

GeneDx
Classification: Uncertain significance. Last evaluated: 2017-04-07. Review status: criteria provided, single submitter. Criteria: GeneDx Variant Classification (06012015). Collection method: clinical testing. Allele origin: germline. Affected: yes.
Comment: The V1713I variant in the ANK3 gene has not been reported previously as a pathogenic variant, nor as a benign variant, to our knowledge. The V1713I variant is observed in 172/16492 (1%) alleles from individuals of South Asian background, in large population cohorts (Lek et al., 2016; 1000 Genomes Consortium et al., 2015; Exome Variant Server). The V1713I variant is a conservative amino acid substitution, which is not likely to impact secondary protein structure as these residues share similar properties. This substitution occurs at a position where amino acids with similar properties to Valine are tolerated across species. In silico analysis is inconsistent in its predictions as to whether or not the variant is damaging to the protein structure/function. We interpret V1713I as a variant of uncertain significance.